The following is an entry in ClinVar:

NM_001001331.4(ATP2B2):c.3362G>C (p.Arg1121Pro)

Gene: ATP2B2 (ATPase plasma membrane Ca2+ transporting 2; minus strand). Cytogenetic location: 3p25.3.
Variant type: single nucleotide variant.
Coding change: c.3362G>C on transcript NM_001001331.4 (MANE Select); coding-DNA position 3362, G replaced by C.
Protein change: p.Arg1121Pro; replaces arginine 1121 with proline.
Molecular consequence: missense variant.
Genome position (GRCh38, 1-based): chr3:10,338,234, C>G on the plus strand (G>C on the coding strand, the complement: ATP2B2 is on the minus strand). VCF-style: chr3-10338234-C-G. GRCh37 (hg19) VCF-style: chr3-10379918-C-G.
Other names: c.3227G>C, p.Arg1076Pro (NM_001363862.1, NM_001683.5, NM_001330611.3 and 1 more transcripts); short protein forms R1076P, R1121P.
Identifiers: ClinVar variation 1304447 (VCV001304447.2), dbSNP rs2125357897, ClinGen allele CA351774630.

ClinVar aggregate classification (germline): Uncertain significance (1 of 4 stars; one submission).

Submission:

GeneDx
Classification: Uncertain significance. Last evaluated: 2020-02-16. Review status: criteria provided, single submitter. Criteria: GeneDx Variant Classification Process June 2021. Collection method: clinical testing. Allele origin: germline. Affected: yes.
Comment: Not observed in large population cohorts (Lek et al., 2016); In silico analysis supports that this missense variant has a deleterious effect on protein structure/function; Has not been previously published as pathogenic or benign to our knowledge